The following is an entry in ClinVar:

ClinVar aggregate classification (germline): Likely benign. Review status: criteria provided, multiple submitters, no conflicts (2 of 4 stars). 3 submissions from 3 submitters: Likely benign (3). Last evaluated 2026-06-01.

Conditions:
Inborn genetic diseases. Identifiers: MedGen C0950123, MeSH D030342.
Fanconi anemia (FA). Also called: Fanconi's anemia. Identifiers: Orphanet 84, MedGen C0015625, MeSH D005199, MONDO:0019391.

Allele frequency attached by ClinVar (database versions not stated): TOPMed below 0.00001; gnomAD exomes 0.00001.

Submissions (3):

CeGaT Center for Human Genetics Tuebingen
Classification: Likely benign. Last evaluated: 2026-06-01. Review status: criteria provided, single submitter. Criteria: CeGaT Center For Human Genetics Tuebingen Variant Classification Criteria Version 2. Collection method: clinical testing. Allele origin: germline. Affected: yes. Observed: 1 variant allele.
Comment: FANCG: BP4, BP7

Ambry Genetics
Classification: Likely benign for Inborn genetic diseases. Last evaluated: 2024-12-13. Review status: criteria provided, single submitter. Criteria: Ambry Variant Classification Scheme 2023. Collection method: clinical testing. Allele origin: germline.

Labcorp Genetics (formerly Invitae), Labcorp
Classification: Likely benign for Fanconi anemia. Last evaluated: 2016-11-09. Review status: criteria provided, single submitter. Criteria: Invitae Variant Classification Sherloc (09022015). Collection method: clinical testing. Allele origin: germline.

NM_004629.2(FANCG):c.1767C>T (p.Leu589=)

Gene: FANCG (FA complementation group G; minus strand). Cytogenetic location: 9p13.3.
Variant type: single nucleotide variant.
Coding change: c.1767C>T on transcript NM_004629.2 (MANE Select); coding-DNA position 1767, C replaced by T.
Protein change: p.Leu589=; no amino-acid change (leucine 589 retained).
Molecular consequence: synonymous variant.
Genome position (GRCh38, 1-based): chr9:35,074,210, G>A on the plus strand (C>T on the coding strand, the complement: FANCG is on the minus strand). VCF-style: chr9-35074210-G-A. GRCh37 (hg19) VCF-style: chr9-35074207-G-A.
Identifiers: ClinVar variation 414808 (VCV000414808.13), dbSNP rs1060504369, ClinGen allele CA16612721.
Genomic context (GRCh38, chr9:35,074,210, plus strand): 5'-AAGGAAGGCGTCACGATCAGAGGGACGGATCCAGCTCAAATAGCTTTCTAGGTACAGGGG[G>A]AGAGACCTGGAGAGAAAGAAGGATGATGCCTAAGGGTGAAAGATTGGCAGAAAGCTGGGC-3'
Protein context (NP_004620.1, residues 579-599): KGSHEDALWS[Leu589=]PLYLESYLSW